The following is an entry in ClinVar:

ClinVar aggregate classification (germline): Likely pathogenic. Review status: criteria provided, single submitter (1 of 4 stars). 2 submissions from 2 submitters: Likely pathogenic (1). 1 of the submissions does not count toward it. Last evaluated 2020-12-10.

Conditions:
von Willebrand disease type 2 (VWD2). Also called: VON WILLEBRAND DISEASE, TYPE 2A/IIE; VON WILLEBRAND DISEASE, TYPE 2CB; VON WILLEBRAND DISEASE, TYPE II; VWD, TYPE 2. Identifiers: Orphanet 166081, Orphanet 903, MedGen C1264040, MONDO:0013304, OMIM 613554.
von Willebrand disease type 3 (VWD3). Also called: Type 3 Von Willebrand's disease; Type 3 VWD; Von Willebrand disease, severe form; V WD3; VON WILLEBRAND DISEASE, TYPE III. Identifiers: Orphanet 166096, MedGen C1264041, MONDO:0010191, OMIM 277480.

Submissions (2):

Laboratory of Hematology, Radboud University Medical Center
Classification: Likely pathogenic for von Willebrand disease type 2. Last evaluated: 2020-12-10. Review status: criteria provided, single submitter. Criteria: ACMG Guidelines, 2015. Collection method: research. Allele origin: germline. Affected: yes. Observed: 1 variant allele. Study: WIN study.

Angelo Bianchi Bonomi Hemophilia and Thrombosis Center, Fondazione IRCCS Ca Granda Ospedale Maggiore Policlinico
Classification: Uncertain significance for von Willebrand disease type 3. Last evaluated: 2020-11-01. Review status: no assertion criteria provided. Collection method: clinical testing. Allele origin: germline. Affected: yes. Study: Type 3 Von Willebrand International Registries Inhibitor Prospective Study (3WINTERS-IPS). Not counted in ClinVar's aggregate classification.
Comment: ClinGen Pathogenicity Calculator

NM_000552.5(VWF):c.5096C>T (p.Ser1699Phe)

Gene: VWF (von Willebrand factor; minus strand). Cytogenetic location: 12p13.31.
Variant type: single nucleotide variant.
Coding change: c.5096C>T on transcript NM_000552.5 (MANE Select); coding-DNA position 5096, C replaced by T.
Protein change: p.Ser1699Phe; replaces serine 1699 with phenylalanine.
Molecular consequence: missense variant.
Genome position (GRCh38, 1-based): chr12:6,016,828, G>A on the plus strand (C>T on the coding strand, the complement: VWF is on the minus strand). VCF-style: chr12-6016828-G-A. GRCh37 (hg19) VCF-style: chr12-6125994-G-A.
Other names: p.S1699F; short protein forms S1699F.
Identifiers: ClinVar variation 1065258 (VCV001065258.4), dbSNP rs2136409487, ClinGen allele CA383496654.